The following is an entry in ClinVar:

ClinVar aggregate classification (germline): Uncertain significance (1 of 4 stars; one submission).

Conditions:
Agammaglobulinemia 7, autosomal recessive (AGM7). Also called: AGAMMAGLOBULINEMIA, AUTOSOMAL RECESSIVE, DUE TO PIK3R1 DEFECT. Identifiers: MedGen C3554689, MONDO:0014083, OMIM 615214.
Immunodeficiency 36 with lymphoproliferation. Also called: Immunodeficiency 36; ACTIVATED PI3K-DELTA SYNDROME 2; Activated PI3K Delta Syndrome Type 2 (APDS2). Identifiers: Orphanet 397596, Orphanet 693681, MedGen C4014934, MONDO:0014453, OMIM 616005.
SHORT syndrome. Also called: PIK3R1-Related SHORT Syndrome; SHORT STATURE, HYPEREXTENSIBILITY, HERNIA, OCULAR DEPRESSION, RIEGER ANOMALY, AND TEETHING DELAY; LIPODYSTROPHY, PARTIAL, WITH RIEGER ANOMALY AND SHORT STATURE. Identifiers: Orphanet 3163, MedGen C0878684, MONDO:0010026, OMIM 269880.

Allele frequency attached by ClinVar (database versions not stated): gnomAD exomes below 0.00001 and 0.00001; ExAC 0.00001.
gnomAD v4.1: 10 of 1,610,326 alleles (0.00062%); highest among the groups gnomAD compares: Admixed American, 0.0017%; no homozygotes.

Submission:

Labcorp Genetics (formerly Invitae), Labcorp
Classification: Uncertain significance for SHORT syndrome; Immunodeficiency 36 with lymphoproliferation; Agammaglobulinemia 7, autosomal recessive. Last evaluated: 2023-12-11. Review status: criteria provided, single submitter. Criteria: Invitae Variant Classification Sherloc (09022015). Collection method: clinical testing. Allele origin: germline.
Comment: This sequence change replaces glutamine, which is neutral and polar, with arginine, which is basic and polar, at codon 111 of the PIK3R1 protein (p.Gln111Arg). This variant is present in population databases (rs575423347, gnomAD 0.0009%). This variant has not been reported in the literature in individuals affected with PIK3R1-related conditions. ClinVar contains an entry for this variant (Variation ID: 853571). An algorithm developed to predict the effect of missense changes on protein structure and function (PolyPhen-2) suggests that this variant is likely to be tolerated. In summary, the available evidence is currently insufficient to determine the role of this variant in disease. Therefore, it has been classified as a Variant of Uncertain Significance.

NM_181523.3(PIK3R1):c.332A>G (p.Gln111Arg)

Gene: PIK3R1 (phosphoinositide-3-kinase regulatory subunit 1; plus strand). Cytogenetic location: 5q13.1.
Variant type: single nucleotide variant.
Coding change: c.332A>G on transcript NM_181523.3 (MANE Select); coding-DNA position 332, A replaced by G.
Protein change: p.Gln111Arg; replaces glutamine 111 with arginine.
Molecular consequence: missense variant.
Genome position (GRCh38, 1-based): chr5:68,227,007, A>G. VCF-style: chr5-68227007-A-G. GRCh37 (hg19) VCF-style: chr5-67522835-A-G.
Other names: short protein forms Q111R.
Identifiers: ClinVar variation 853571 (VCV000853571.10), dbSNP rs575423347, ClinGen allele CA3289974.